The following is an entry in ClinVar:

NM_001845.6(COL4A1):c.4043C>A (p.Pro1348His)

Gene: COL4A1 (collagen type IV alpha 1 chain; minus strand). Cytogenetic location: 13q34.
Variant type: single nucleotide variant.
Coding change: c.4043C>A on transcript NM_001845.6 (MANE Select); coding-DNA position 4043, C replaced by A.
Protein change: p.Pro1348His; replaces proline 1348 with histidine.
Molecular consequence: missense variant.
Genome position (GRCh38, 1-based): chr13:110,164,969, G>T on the plus strand (C>A on the coding strand, the complement: COL4A1 is on the minus strand). VCF-style: chr13-110164969-G-T. GRCh37 (hg19) VCF-style: chr13-110817316-G-T.
Other names: short protein forms P1348H.
Identifiers: ClinVar variation 4738937 (VCV004738937.1).

ClinVar aggregate classification (germline): Uncertain significance (1 of 4 stars; one submission).

gnomAD v4.1: 6 of 1,605,332 alleles (0.00037%); highest among the groups gnomAD compares: Admixed American, 0.0052%; no homozygotes.

Submission:

Labcorp Genetics (formerly Invitae), Labcorp
Classification: Uncertain significance. Last evaluated: 2025-10-12. Review status: criteria provided, single submitter. Criteria: Invitae Variant Classification Sherloc (09022015). Collection method: clinical testing. Allele origin: germline.
Comment: This sequence change replaces proline, which is neutral and non-polar, with histidine, which is basic and polar, at codon 1348 of the COL4A1 protein (p.Pro1348His). This variant is present in population databases (rs374996844, gnomAD 0.01%). This variant has not been reported in the literature in individuals affected with COL4A1-related conditions. Invitae Evidence Modeling of protein sequence and biophysical properties (such as structural, functional, and spatial information, amino acid conservation, physicochemical variation, residue mobility, and thermodynamic stability) indicates that this missense variant is not expected to disrupt COL4A1 protein function with a negative predictive value of 95%. In summary, the available evidence is currently insufficient to determine the role of this variant in disease. Therefore, it has been classified as a Variant of Uncertain Significance.